The following is an entry in ClinVar:

ClinVar aggregate classification (germline): Uncertain significance (0 of 4 stars; one submission).

Conditions:
SEMA3E-related disorder. Also called: SEMA3E-related condition.

gnomAD v4.1: 1 of 1,613,932 alleles (0.000062%); no homozygotes.

Submission:

PreventionGenetics, part of Exact Sciences
Classification: Uncertain significance for SEMA3E-related condition. Last evaluated: 2024-08-05. Review status: no assertion criteria provided. Collection method: clinical testing. Allele origin: germline.
Comment: The SEMA3E c.1572T>A variant is predicted to result in the amino acid substitution p.Ser524Arg. To our knowledge, this variant has not been reported in the literature or in a large population database, indicating this variant is rare. At this time, the clinical significance of this variant is uncertain due to the absence of conclusive functional and genetic evidence.

NM_012431.3(SEMA3E):c.1572T>A (p.Ser524Arg)

Gene: SEMA3E (semaphorin 3E; minus strand). Cytogenetic location: 7q21.11.
Variant type: single nucleotide variant.
Coding change: c.1572T>A on transcript NM_012431.3 (MANE Select); coding-DNA position 1572, T replaced by A.
Protein change: p.Ser524Arg; replaces serine 524 with arginine.
Molecular consequence: missense variant.
Genome position (GRCh38, 1-based): chr7:83,392,650, A>T on the plus strand (T>A on the coding strand, the complement: SEMA3E is on the minus strand). VCF-style: chr7-83392650-A-T. GRCh37 (hg19) VCF-style: chr7-83021966-A-T.
Other names: c.1392T>A, p.Ser464Arg (NM_001178129.2); short protein forms S464R, S524R.
Identifiers: ClinVar variation 3356345 (VCV003356345.1).